The following is an entry in ClinVar:

ClinVar aggregate classification (germline): Uncertain significance. Review status: criteria provided, multiple submitters, no conflicts (2 of 4 stars). 2 submissions from 2 submitters: Uncertain significance (2). Last evaluated 2025-06-30.

Conditions:
Hereditary cancer-predisposing syndrome. Also called: Neoplastic Syndromes, Hereditary; Tumor predisposition; Hereditary Cancer Syndrome; Hereditary neoplastic syndrome. Identifiers: Orphanet 140162, MedGen C0027672, MeSH D009386, MONDO:0015356.

Submissions (2):

Color Diagnostics, LLC DBA Color Health
Classification: Uncertain significance for Hereditary cancer-predisposing syndrome. Last evaluated: 2025-06-30. Review status: criteria provided, single submitter. Criteria: ACMG Guidelines, 2015. Collection method: clinical testing. Allele origin: germline.
Comment: This variant is located in the 5' untranslated region of the BRIP1 gene. To our knowledge, functional studies have not been reported for this variant. This variant has not been reported in individuals affected with BRIP1-related disorders in the literature. This variant has not been identified in the general population by the Genome Aggregation Database (gnomAD). The available evidence is insufficient to determine the role of this variant in disease conclusively. Therefore, this variant is classified as a Variant of Uncertain Significance.

Ambry Genetics
Classification: Uncertain significance for Hereditary cancer-predisposing syndrome. Last evaluated: 2022-03-24. Review status: criteria provided, single submitter. Criteria: Ambry Variant Classification Scheme 2023. Collection method: clinical testing. Allele origin: germline.
Comment: The c.-1T>C variant is located in the 5' untranslated region (5&rsquo;UTR) of the BRIP1 gene. This variant results from a T to C substitution 1 nucleotide upstream from the first translated codon. Based on nucleotide sequence alignment, this position is poorly conserved in available vertebrate species. Since supporting evidence is limited at this time, the clinical significance of this alteration remains unclear.

NM_032043.3(BRIP1):c.-1T>C

Gene: BRIP1 (BRCA1 interacting DNA helicase 1; minus strand). Cytogenetic location: 17q23.2.
Variant type: single nucleotide variant.
Coding change: c.-1T>C on transcript NM_032043.3 (MANE Select); 1 bases upstream of the start codon, T replaced by C.
Molecular consequence: 5 prime UTR variant.
Genome position (GRCh38, 1-based): chr17:61,861,540, A>G on the plus strand (T>C on the coding strand, the complement: BRIP1 is on the minus strand). VCF-style: chr17-61861540-A-G. GRCh37 (hg19) VCF-style: chr17-59938901-A-G.
Identifiers: ClinVar variation 1784214 (VCV001784214.3), dbSNP rs2145866560, ClinGen allele CA2553549745.
Genomic context (GRCh38, chr17:61,861,540, plus strand): 5'-TTTATAAGGAAAGTAAATCTTCACCCCACCAATTGTATATTCAGACCACATTGAAGACAT[A>G]GTGCTTTCCTGTTTATTTCAGATTCCTAACTACAACAGAAATGAAAATGTCAAATATTGA-3'